The following is an entry in ClinVar:

ClinVar aggregate classification (germline): Uncertain significance. Review status: criteria provided, multiple submitters, no conflicts (2 of 4 stars). 3 submissions from 3 submitters: Uncertain significance (3). Last evaluated 2022-07-06.

Allele frequency attached by ClinVar (database versions not stated): gnomAD exomes 0.00002; ExAC 0.00003; gnomAD 0.00005 and 0.00006; TOPMed 0.00006.
gnomAD v4.1: 41 of 1,614,068 alleles (0.0025%); highest among the groups gnomAD compares: Admixed American, 0.0067%; no homozygotes.

Submissions (3):

Labcorp Genetics (formerly Invitae), Labcorp
Classification: Uncertain significance. Last evaluated: 2022-07-06. Review status: criteria provided, single submitter. Criteria: Invitae Variant Classification Sherloc (09022015). Collection method: clinical testing. Allele origin: germline.
Comment: This sequence change replaces threonine, which is neutral and polar, with methionine, which is neutral and non-polar, at codon 1654 of the COL4A4 protein (p.Thr1654Met). This variant is present in population databases (rs771066050, gnomAD 0.003%). This variant has not been reported in the literature in individuals affected with COL4A4-related conditions. Advanced modeling of protein sequence and biophysical properties (such as structural, functional, and spatial information, amino acid conservation, physicochemical variation, residue mobility, and thermodynamic stability) performed at Invitae indicates that this missense variant is not expected to disrupt COL4A4 protein function. In summary, the available evidence is currently insufficient to determine the role of this variant in disease. Therefore, it has been classified as a Variant of Uncertain Significance.

CeGaT Center for Human Genetics Tuebingen
Classification: Uncertain significance. Last evaluated: 2022-07-01. Review status: criteria provided, single submitter. Criteria: CeGaT Center For Human Genetics Tuebingen Variant Classification Criteria Version 2. Collection method: clinical testing. Allele origin: germline. Affected: yes. Observed: 1 variant allele.

Breakthrough Genomics
Classification: Uncertain significance. Review status: criteria provided, single submitter. Criteria: ACMG Guidelines, 2015. Collection method: not provided. Allele origin: germline. Inheritance: Autosomal recessive inheritance. Affected: yes.

NM_000092.5(COL4A4):c.4961C>T (p.Thr1654Met)

Gene: COL4A4 (collagen type IV alpha 4 chain; minus strand). Cytogenetic location: 2q36.3.
Variant type: single nucleotide variant.
Coding change: c.4961C>T on transcript NM_000092.5 (MANE Select); coding-DNA position 4961, C replaced by T.
Protein change: p.Thr1654Met; replaces threonine 1654 with methionine.
Molecular consequence: missense variant.
Genome position (GRCh38, 1-based): chr2:227,007,437, G>A on the plus strand (C>T on the coding strand, the complement: COL4A4 is on the minus strand). VCF-style: chr2-227007437-G-A. GRCh37 (hg19) VCF-style: chr2-227872153-G-A.
Other names: short protein forms T1654M.
Identifiers: ClinVar variation 1701410 (VCV001701410.34), dbSNP rs771066050, ClinGen allele CA2144010.